The following is an entry in ClinVar:

NM_001330078.2(NRXN1):c.1135-1G>T

Gene: NRXN1 (neurexin 1; minus strand). Cytogenetic location: 2p16.3.
Variant type: single nucleotide variant.
Coding change: c.1135-1G>T on transcript NM_001330078.2 (MANE Select); the canonical splice acceptor site of the intron before coding-DNA position 1135, G replaced by T.
Molecular consequence: splice acceptor variant. On other transcripts: intron variant (6).
Genome position (GRCh38, 1-based): chr2:50,621,250, C>A on the plus strand (G>T on the coding strand, the complement: NRXN1 is on the minus strand). VCF-style: chr2-50621250-C-A. GRCh37 (hg19) VCF-style: chr2-50848388-C-A.
Other names: c.1075-1067G>T (NM_001330096.2, NM_001330087.2); c.1075-1G>T (NM_001330083.2, NM_001330084.2); c.1105-1067G>T (NM_001330088.2); c.1132-1G>T (NM_001330093.2); c.1123-1G>T (NM_001330094.2); c.1135-1067G>T (NM_001330095.2, NM_001330082.2, NM_001330077.2); c.1135-1G>T (NM_001330085.2, NM_004801.6, NM_001330086.2); c.1234-1G>T (NM_001135659.3).
Identifiers: ClinVar variation 3664326 (VCV003664326.2).
Genomic context (GRCh38, chr2:50,621,250, plus strand): 5'-TAGAATGATATCTACCGAACAATGTAGTTTGTTTACCATAGCGTGTCCAATGCCTGAGTG[C>A]TTTGTGGAGAAGGGGGGAGAAAGGAAATTAAAAACTGTGAACAGAATAACGATCGTTACT-3'

ClinVar aggregate classification (germline): Likely pathogenic (1 of 4 stars; one submission).

Conditions:
Pitt-Hopkins-like syndrome 2 (PTHSL2). Identifiers: Orphanet 221150, Orphanet 600663, MedGen C3280479, MONDO:0013690, OMIM 614325.

Submission:

Labcorp Genetics (formerly Invitae), Labcorp
Classification: Likely pathogenic for Pitt-Hopkins-like syndrome 2. Last evaluated: 2024-09-03. Review status: criteria provided, single submitter. Criteria: Invitae Variant Classification Sherloc (09022015). Collection method: clinical testing. Allele origin: germline.
Comment: This sequence change affects an acceptor splice site in intron 7 of the NRXN1 gene. It is expected to disrupt RNA splicing. Variants that disrupt the donor or acceptor splice site typically lead to a loss of protein function (PMID: 16199547), and loss-of-function variants in NRXN1 are known to be pathogenic (PMID: 19896112, 21964664, 23495017, 23533028, 25149956, 30031152). This variant is not present in population databases (gnomAD no frequency). This variant has not been reported in the literature in individuals affected with NRXN1-related conditions. In summary, the currently available evidence indicates that the variant is pathogenic, but additional data are needed to prove that conclusively. Therefore, this variant has been classified as Likely Pathogenic.

Literature cited by the submitters: PubMed 16199547; PubMed 19896112; PubMed 21964664; PubMed 23495017; PubMed 23533028; PubMed 25149956; PubMed 30031152.